The following is an entry in ClinVar:

NM_020297.4(ABCC9):c.2243A>G (p.Asn748Ser)

Gene: ABCC9 (ATP binding cassette subfamily C member 9; minus strand). Cytogenetic location: 12p12.1.
Variant type: single nucleotide variant.
Coding change: c.2243A>G on transcript NM_020297.4 (MANE Select); coding-DNA position 2243, A replaced by G.
Protein change: p.Asn748Ser; replaces asparagine 748 with serine.
Molecular consequence: missense variant.
Genome position (GRCh38, 1-based): chr12:21,863,049, T>C on the plus strand (A>G on the coding strand, the complement: ABCC9 is on the minus strand). VCF-style: chr12-21863049-T-C. GRCh37 (hg19) VCF-style: chr12-22015983-T-C.
Other names: c.2243A>G, p.Asn748Ser (NM_001377273.1, NM_005691.4); c.1376A>G, p.Asn459Ser (NM_001377274.1); short protein forms N459S, N748S.
Identifiers: ClinVar variation 3718614 (VCV003718614.2).

ClinVar aggregate classification (germline): Uncertain significance (1 of 4 stars; one submission).

Conditions:
Dilated cardiomyopathy 1O (CMD1O). Also called: CARDIOMYOPATHY, DILATED, WITH VENTRICULAR TACHYCARDIA. Identifiers: Orphanet 154, MedGen C1837839, MONDO:0012062, OMIM 608569.

Submission:

Labcorp Genetics (formerly Invitae), Labcorp
Classification: Uncertain significance for Dilated cardiomyopathy 1O. Last evaluated: 2025-01-22. Review status: criteria provided, single submitter. Criteria: Invitae Variant Classification Sherloc (09022015). Collection method: clinical testing. Allele origin: germline.
Comment: This sequence change replaces asparagine, which is neutral and polar, with serine, which is neutral and polar, at codon 748 of the ABCC9 protein (p.Asn748Ser). This variant is not present in population databases (gnomAD no frequency). This variant has not been reported in the literature in individuals affected with ABCC9-related conditions. Invitae Evidence Modeling of protein sequence and biophysical properties (such as structural, functional, and spatial information, amino acid conservation, physicochemical variation, residue mobility, and thermodynamic stability) indicates that this missense variant is not expected to disrupt ABCC9 protein function with a negative predictive value of 95%. In summary, the available evidence is currently insufficient to determine the role of this variant in disease. Therefore, it has been classified as a Variant of Uncertain Significance.